The following is an entry in ClinVar:

NM_002439.5(MSH3):c.2253+3A>G

Gene: MSH3 (mutS homolog 3; plus strand). Cytogenetic location: 5q14.1.
Variant type: single nucleotide variant.
Coding change: c.2253+3A>G on transcript NM_002439.5 (MANE Select); 3 bases into the intron after coding-DNA position 2253, A replaced by G.
Molecular consequence: intron variant.
Genome position (GRCh38, 1-based): chr5:80,769,006, A>G. VCF-style: chr5-80769006-A-G. GRCh37 (hg19) VCF-style: chr5-80064825-A-G.
Identifiers: ClinVar variation 1788466 (VCV001788466.6), dbSNP rs2546774352, ClinGen allele CA2580073546.
Genomic context (GRCh38, chr5:80,769,006, plus strand): 5'-AATACGAAAAATACTAAAAAATCCTTCTGCACAATATGTGACAGTATCAGGACAGGAGGT[A>G]ATGTCAAGCTTACTTTTATTTTCTATTAGTTTTACTCTAGTAGAAAAGCTATTTTAAAAT-3'

ClinVar aggregate classification (germline): Uncertain significance. Review status: criteria provided, multiple submitters, no conflicts (2 of 4 stars). 3 submissions from 3 submitters: Uncertain significance (3). Last evaluated 2024-01-29.

Conditions:
Hereditary cancer-predisposing syndrome. Also called: Neoplastic Syndromes, Hereditary; Tumor predisposition; Hereditary Cancer Syndrome; Hereditary neoplastic syndrome. Identifiers: Orphanet 140162, MedGen C0027672, MeSH D009386, MONDO:0015356.
Endometrial carcinoma. Also called: Endometrial carcinoma, somatic. Identifiers: MedGen C0476089, MONDO:0002447, OMIM 608089, HP:0012114.

Submissions (3):

Labcorp Genetics (formerly Invitae), Labcorp
Classification: Uncertain significance. Last evaluated: 2024-01-29. Review status: criteria provided, single submitter. Criteria: Invitae Variant Classification Sherloc (09022015). Collection method: clinical testing. Allele origin: germline.
Comment: This sequence change falls in intron 15 of the MSH3 gene. It does not directly change the encoded amino acid sequence of the MSH3 protein. It affects a nucleotide within the consensus splice site. This variant is not present in population databases (gnomAD no frequency). This variant has not been reported in the literature in individuals affected with MSH3-related conditions. ClinVar contains an entry for this variant (Variation ID: 1788466). Variants that disrupt the consensus splice site are a relatively common cause of aberrant splicing (PMID: 17576681, 9536098). Algorithms developed to predict the effect of sequence changes on RNA splicing suggest that this variant may disrupt the consensus splice site. In summary, the available evidence is currently insufficient to determine the role of this variant in disease. Therefore, it has been classified as a Variant of Uncertain Significance.

Baylor Genetics
Classification: Uncertain significance for Endometrial carcinoma. Last evaluated: 2023-09-15. Review status: criteria provided, single submitter. Criteria: ACMG Guidelines, 2015. Collection method: clinical testing. Allele origin: unknown.

Ambry Genetics
Classification: Uncertain significance for Hereditary cancer-predisposing syndrome. Last evaluated: 2021-04-07. Review status: criteria provided, single submitter. Criteria: Ambry Variant Classification Scheme 2023. Collection method: clinical testing. Allele origin: germline.
Comment: The c.2253+3A>G intronic variant results from an A to G substitution 3 nucleotides after coding exon 15 in the MSH3 gene. This nucleotide position is well conserved in available vertebrate species. In silico splice site analysis predicts that this alteration may weaken the native splice donor site. Since supporting evidence is limited at this time, the clinical significance of this alteration remains unclear.

Literature cited by the submitters: PubMed 17576681 (cited by Labcorp Genetics (formerly Invitae), Labcorp); PubMed 9536098 (cited by Labcorp Genetics (formerly Invitae), Labcorp).